The following is an entry in ClinVar:

ClinVar aggregate classification (germline): Uncertain significance. Review status: criteria provided, multiple submitters, no conflicts (2 of 4 stars). 2 submissions from 2 submitters: Uncertain significance (2). Last evaluated 2023-11-21.

Conditions:
Peutz-Jeghers syndrome (PJS). Also called: POLYPOSIS, HAMARTOMATOUS INTESTINAL; POLYPS-AND-SPOTS SYNDROME; Peutz-Jeghers polyposis; Periorificial lentiginosis syndrome. Identifiers: Orphanet 2869, MedGen C0031269, MeSH D010580, MONDO:0008280, OMIM 175200.
Hereditary cancer-predisposing syndrome. Also called: Neoplastic Syndromes, Hereditary; Tumor predisposition; Hereditary neoplastic syndrome; Hereditary Cancer Syndrome. Identifiers: Orphanet 140162, MedGen C0027672, MeSH D009386, MONDO:0015356.

Submissions (2):

Ambry Genetics
Classification: Uncertain significance for Hereditary cancer-predisposing syndrome. Last evaluated: 2023-11-21. Review status: criteria provided, single submitter. Criteria: Ambry Variant Classification Scheme 2023. Collection method: clinical testing. Allele origin: germline.
Comment: The p.E165G variant (also known as c.494A>G), located in coding exon 4 of the STK11 gene, results from an A to G substitution at nucleotide position 494. The glutamic acid at codon 165 is replaced by glycine, an amino acid with similar properties. This amino acid position is highly conserved in available vertebrate species. In addition, this alteration is predicted to be deleterious by in silico analysis. Since supporting evidence is limited at this time, the clinical significance of this alteration remains unclear.

All of Us Research Program, National Institutes of Health
Classification: Uncertain significance for Peutz-Jeghers syndrome. Last evaluated: 2023-03-07. Review status: criteria provided, single submitter. Criteria: ACMG Guidelines, 2015. Collection method: clinical testing. Allele origin: germline. Inheritance: Autosomal dominant inheritance. Observed: 1 variant allele, 1 heterozygote.
Comment: This missense variant replaces glutamic acid with glycine at codon 165 of the STK11 protein. Computational prediction suggests that this variant may have deleterious impact on protein structure and function (internally defined REVEL score threshold >= 0.7, PMID: 27666373). To our knowledge, functional studies have not been reported for this variant. This variant has not been reported in individuals affected with STK11-related disorders in the literature. This variant has not been identified in the general population by the Genome Aggregation Database (gnomAD). The available evidence is insufficient to determine the role of this variant in disease conclusively. Therefore, this variant is classified as a Variant of Uncertain Significance.

This study involves interpretation of variants in research participants for the purpose of population health screening. Participant phenotype was not available at the time of variant classification. Additional details can be found in publication PMID: 35346344, PMCID: PMC8962531

NM_000455.5(STK11):c.494A>G (p.Glu165Gly)

Gene: STK11 (serine/threonine kinase 11; plus strand). Cytogenetic location: 19p13.3.
Variant type: single nucleotide variant.
Coding change: c.494A>G on transcript NM_000455.5 (MANE Select); coding-DNA position 494, A replaced by G.
Protein change: p.Glu165Gly; replaces glutamic acid 165 with glycine.
Molecular consequence: missense variant. On other transcripts: non-coding transcript variant (1).
Genome position (GRCh38, 1-based): chr19:1,220,402, A>G. VCF-style: chr19-1220402-A-G. GRCh37 (hg19) VCF-style: chr19-1220401-A-G.
Other names: c.494A>G, p.Glu165Gly (NM_001407255.1); short protein forms E165G.
Identifiers: ClinVar variation 3069756 (VCV003069756.2), dbSNP rs2145424230, ClinGen allele CA402948869.